The following is an entry in ClinVar:

ClinVar aggregate classification (germline): Benign (1 of 4 stars; one submission).

Allele frequency attached by ClinVar (database versions not stated): gnomAD exomes 0.37600; ExAC 0.38038; gnomAD 0.39095 and 0.39538; ESP Exome Variant Server 0.40397; TOPMed 0.41309; 1000 Genomes Project 30x 0.45956; 1000 Genomes Project 0.46066.
gnomAD v4.1: 635,489 of 1,605,374 alleles (40%); highest among the groups gnomAD compares: East Asian, 53%; 129,327 homozygotes.

Submission:

GeneDx
Classification: Benign. Last evaluated: 2021-05-04. Review status: criteria provided, single submitter. Criteria: GeneDx Variant Classification Process June 2021. Collection method: clinical testing. Allele origin: germline. Affected: yes.
Comment: This variant is associated with the following publications: (PMID: 31705708, 12589427)

NM_004557.4(NOTCH4):c.333T>C (p.Gly111=)

Gene: NOTCH4 (notch receptor 4; minus strand). Cytogenetic location: 6p21.32.
Variant type: single nucleotide variant.
Coding change: c.333T>C on transcript NM_004557.4 (MANE Select); coding-DNA position 333, T replaced by C.
Protein change: p.Gly111=; no amino-acid change (glycine 111 retained).
Molecular consequence: synonymous variant. On other transcripts: non-coding transcript variant (2).
Genome position (GRCh38, 1-based): chr6:32,222,629, A>G on the plus strand (T>C on the coding strand, the complement: NOTCH4 is on the minus strand). VCF-style: chr6-32222629-A-G. GRCh37 (hg19) VCF-style: chr6-32190406-A-G.
Identifiers: ClinVar variation 1293220 (VCV001293220.2), dbSNP rs443198, ClinGen allele CA3740279.